The following is an entry in ClinVar:

ClinVar aggregate classification (germline): Uncertain significance (1 of 4 stars; one submission).

Conditions:
Inborn genetic diseases. Identifiers: MedGen C0950123, MeSH D030342.

Submission:

Ambry Genetics
Classification: Uncertain significance for Inborn genetic diseases. Last evaluated: 2026-03-07. Review status: criteria provided, single submitter. Criteria: Ambry Variant Classification Scheme 2023. Collection method: clinical testing. Allele origin: germline.
Comment: The p.N129K variant (also known as c.387C>G), located in coding exon 2 of the KDM1A gene, results from a C to G substitution at nucleotide position 387. The asparagine at codon 129 is replaced by lysine, an amino acid with similar properties. This amino acid position is conserved. In addition, this alteration is predicted to be tolerated by in silico analysis. Based on the available evidence, the clinical significance of this variant remains unclear.

NM_001009999.3(KDM1A):c.387C>G (p.Asn129Lys)

Gene: KDM1A (lysine demethylase 1A; plus strand). Cytogenetic location: 1p36.12.
Variant type: single nucleotide variant.
Coding change: c.387C>G on transcript NM_001009999.3 (MANE Select); coding-DNA position 387, C replaced by G.
Protein change: p.Asn129Lys; replaces asparagine 129 with lysine.
Molecular consequence: missense variant.
Genome position (GRCh38, 1-based): chr1:23,030,504, C>G. VCF-style: chr1-23030504-C-G. GRCh37 (hg19) VCF-style: chr1-23356997-C-G.
Other names: c.387C>G, p.Asn129Lys (NM_001363654.2, NM_001410762.1, NM_001410763.1 and 1 more transcripts); short protein forms N129K.
Identifiers: ClinVar variation 4826116 (VCV004826116.1).